The following is an entry in ClinVar:

ClinVar aggregate classification (germline): Likely benign (1 of 4 stars; one submission).

Conditions:
ATP6V0A4-related disorder. Also called: ATP6V0A4-related condition.

Submission:

PreventionGenetics, part of Exact Sciences
Classification: Likely benign for ATP6V0A4-related condition. Last evaluated: 2025-12-10. Review status: criteria provided, single submitter. Criteria: ACMG Guidelines, 2015. Collection method: clinical testing. Allele origin: germline.
Comment: This variant is classified as likely benign based on ACMG/AMP sequence variant interpretation guidelines (Richards et al. 2015 PMID: 25741868, with internal and published modifications).

NM_020632.3(ATP6V0A4):c.87C>G (p.Leu29=)

Genes: ATP6V0A4 (ATPase H+ transporting V0 subunit a4; minus strand), LOC129389889 (MPRA-validated peak6777 silencer; plus strand). Cytogenetic location: 7q34.
Variant type: single nucleotide variant.
Coding change: c.87C>G on transcript NM_020632.3 (MANE Select); coding-DNA position 87, C replaced by G.
Protein change: p.Leu29=; no amino-acid change (leucine 29 retained).
Molecular consequence: synonymous variant.
Genome position (GRCh38, 1-based): chr7:138,771,161, G>C on the plus strand (C>G on the coding strand, the complement: ATP6V0A4 is on the minus strand). VCF-style: chr7-138771161-G-C. GRCh37 (hg19) VCF-style: chr7-138455906-G-C.
Other names: c.87C>G, p.Leu29= (NM_130840.3, NM_130841.3).
Identifiers: ClinVar variation 4984507 (VCV004984507.1).